The following is an entry in ClinVar:

ClinVar aggregate classification (germline): Uncertain significance. Review status: criteria provided, multiple submitters, no conflicts (2 of 4 stars). 2 submissions from 2 submitters: Uncertain significance (2). Last evaluated 2026-06-24.

Conditions:
FBXO38-related disorder. Also called: FBXO38-related condition.

Submissions (2):

PreventionGenetics, part of Exact Sciences
Classification: Uncertain significance for FBXO38-related condition. Last evaluated: 2026-06-24. Review status: criteria provided, single submitter. Criteria: ACMG Guidelines, 2015. Collection method: clinical testing. Allele origin: germline.
Comment: The FBXO38 c.2050G>A variant is predicted to result in the amino acid substitution p.Asp684Asn. To our knowledge, this variant has not been reported in the literature or in a large population database (gnomAD), indicating this variant is rare. At this time, the clinical significance of this variant is uncertain due to the absence of conclusive functional and genetic evidence.

GeneDx
Classification: Uncertain significance. Last evaluated: 2024-05-20. Review status: criteria provided, single submitter. Criteria: GeneDx Variant Classification Process June 2021. Collection method: clinical testing. Allele origin: germline. Affected: yes.
Comment: Not observed at significant frequency in large population cohorts (gnomAD); In silico analysis supports that this missense variant has a deleterious effect on protein structure/function; Has not been previously published as pathogenic or benign to our knowledge

NM_205836.3(FBXO38):c.2050G>A (p.Asp684Asn)

Gene: FBXO38 (F-box protein 38; plus strand). Cytogenetic location: 5q32.
Variant type: single nucleotide variant.
Coding change: c.2050G>A on transcript NM_205836.3 (MANE Select); coding-DNA position 2050, G replaced by A.
Protein change: p.Asp684Asn; replaces aspartic acid 684 with asparagine.
Molecular consequence: missense variant. On other transcripts: intron variant (1).
Genome position (GRCh38, 1-based): chr5:148,427,344, G>A. VCF-style: chr5-148427344-G-A. GRCh37 (hg19) VCF-style: chr5-147806907-G-A.
Other names: c.2050G>A, p.Asp684Asn (NM_030793.5); c.1918+1643G>A (NM_001271723.2); short protein forms D684N.
Identifiers: ClinVar variation 3381680 (VCV003381680.2).
Genomic context (GRCh38, chr5:148,427,344, plus strand): 5'-CCCCTCGAGGAAAGCAGCTGTGAGAAAGGCTGTCAGGTCACCAGTGAGCAGATCAAAGCC[G>A]ATATGAAAGCAGCTAGGGATATTCCTGAAAAGAAAAAAAACAAGGATGTTTATCCCAGCT-3'
Protein context (NP_995308.1, residues 674-694): CQVTSEQIKA[Asp684Asn]MKAARDIPEK